The following is an entry in ClinVar:

NM_032242.4(PLXNA1):c.1759T>G (p.Trp587Gly)

Gene: PLXNA1 (plexin A1; plus strand). Cytogenetic location: 3q21.3.
Variant type: single nucleotide variant.
Coding change: c.1759T>G on transcript NM_032242.4 (MANE Select); coding-DNA position 1759, T replaced by G.
Protein change: p.Trp587Gly; replaces tryptophan 587 with glycine.
Molecular consequence: missense variant.
Genome position (GRCh38, 1-based): chr3:127,005,105, T>G. VCF-style: chr3-127005105-T-G. GRCh37 (hg19) VCF-style: chr3-126723948-T-G.
Other names: short protein forms W587G.
Identifiers: ClinVar variation 3349414 (VCV003349414.1).

ClinVar aggregate classification (germline): Uncertain significance (0 of 4 stars; one submission).

Conditions:
PLXNA1-related disorder. Also called: PLXNA1-related condition.

gnomAD v4.1: 8 of 1,612,640 alleles (0.0005%); highest among the groups gnomAD compares: African/African-American, 0.011%; no homozygotes.

Submission:

PreventionGenetics, part of Exact Sciences
Classification: Uncertain significance for PLXNA1-related condition. Last evaluated: 2024-06-06. Review status: no assertion criteria provided. Collection method: clinical testing. Allele origin: germline.
Comment: The PLXNA1 c.1759T>G variant is predicted to result in the amino acid substitution p.Trp587Gly. To our knowledge, this variant has not been reported in the literature. This variant is reported in 0.012% of alleles in individuals of African descent in gnomAD. At this time, the clinical significance of this variant is uncertain due to the absence of conclusive functional and genetic evidence.